The following is an entry in ClinVar:

ClinVar aggregate classification (germline): Likely benign. Review status: criteria provided, multiple submitters, no conflicts (2 of 4 stars). 5 submissions from 5 submitters: Likely benign (5). Last evaluated 2026-06-28.

Conditions:
Autosomal dominant nonsyndromic hearing loss 6 (LFSNHL). Also called: Autosomal dominant nonsyndromic deafness 6; DEAFNESS, AUTOSOMAL DOMINANT 6; DEAFNESS, AUTOSOMAL DOMINANT 14; DEAFNESS, AUTOSOMAL DOMINANT 38. Identifiers: Orphanet 90635, MedGen C1833021, MONDO:0010963, OMIM 600965.
Cataract 41 (CTRCT41). Also called: CATARACT 41, CONGENITAL NUCLEAR TYPE. Identifiers: Orphanet 91492, Orphanet 98991, Orphanet 98992, Orphanet 98995, MedGen C3805412, MONDO:0007287, OMIM 116400.
Type 2 diabetes mellitus. Also called: Type II diabetes mellitus. Identifiers: MedGen C0011860, MeSH D003924, MONDO:0005148, OMIM 125853, HP:0005978.
Wolfram syndrome 1 (WFS1). Identifiers: Orphanet 3463, MedGen C4551693, MONDO:0009101, OMIM 222300.
Wolfram-like syndrome. Also called: HEARING LOSS, PROGRESSIVE, WITH OPTIC ATROPHY AND/OR IMPAIRED GLUCOSE REGULATION. Identifiers: Orphanet 411590, MedGen C3280358, MONDO:0013673, OMIM 614296.
WFS1-related disorder. Identifiers: MedGen CN379391, MONDO:0700293.

Allele frequency attached by ClinVar (database versions not stated): gnomAD exomes below 0.00001 and 0.00001; gnomAD 0.00001; TOPMed 0.00001.
gnomAD v4.1: 4 of 1,563,104 alleles (0.00026%); highest among the groups gnomAD compares: Admixed American, 0.0076%; no homozygotes.

Submissions (5):

PreventionGenetics, part of Exact Sciences
Classification: Likely benign for WFS1-related condition. Last evaluated: 2026-06-28. Review status: criteria provided, single submitter. Criteria: ACMG Guidelines, 2015. Collection method: clinical testing. Allele origin: germline.
Comment: This variant is classified as likely benign based on ACMG/AMP sequence variant interpretation guidelines (Richards et al. 2015 PMID: 25741868, with internal and published modifications).

Labcorp Genetics (formerly Invitae), Labcorp
Classification: Likely benign. Last evaluated: 2025-08-21. Review status: criteria provided, single submitter. Criteria: Invitae Variant Classification Sherloc (09022015). Collection method: clinical testing. Allele origin: germline.

ARUP Laboratories, Molecular Genetics and Genomics, ARUP Laboratories
Classification: Likely benign. Last evaluated: 2025-07-30. Review status: criteria provided, single submitter. Criteria: ARUP Molecular Germline Variant Investigation Process 2024. Collection method: clinical testing. Allele origin: germline.

Blueprint Genetics
Classification: Likely benign. Last evaluated: 2022-05-04. Review status: criteria provided, single submitter. Criteria: ACMG Guidelines, 2015. Collection method: clinical testing. Allele origin: germline.

Fulgent Genetics
Classification: Likely benign for Cataract 41; Type 2 diabetes mellitus; Wolfram syndrome 1; Autosomal dominant nonsyndromic hearing loss 6; Wolfram-like syndrome. Last evaluated: 2022-04-05. Review status: criteria provided, single submitter. Criteria: ACMG Guidelines, 2015. Collection method: clinical testing. Allele origin: unknown.

NM_006005.3(WFS1):c.33C>A (p.Ser11=)

Gene: WFS1 (wolframin ER transmembrane glycoprotein; plus strand). Cytogenetic location: 4p16.1.
Variant type: single nucleotide variant.
Coding change: c.33C>A on transcript NM_006005.3 (MANE Select); coding-DNA position 33, C replaced by A.
Protein change: p.Ser11=; no amino-acid change (serine 11 retained).
Molecular consequence: synonymous variant.
Genome position (GRCh38, 1-based): chr4:6,277,488, C>A. VCF-style: chr4-6277488-C-A. GRCh37 (hg19) VCF-style: chr4-6279215-C-A.
Other names: c.33C>A, p.Ser11= (NM_001145853.1).
Identifiers: ClinVar variation 1650580 (VCV001650580.12), dbSNP rs1185590827, ClinGen allele CA438210421.